The following is an entry in ClinVar:

NM_003482.4(KMT2D):c.11880A>T (p.Gln3960His)

Gene: KMT2D (lysine methyltransferase 2D; minus strand). Cytogenetic location: 12q13.12.
Variant type: single nucleotide variant.
Coding change: c.11880A>T on transcript NM_003482.4 (MANE Select); coding-DNA position 11880, A replaced by T.
Protein change: p.Gln3960His; replaces glutamine 3960 with histidine.
Molecular consequence: missense variant.
Genome position (GRCh38, 1-based): chr12:49,032,825, T>A on the plus strand (A>T on the coding strand, the complement: KMT2D is on the minus strand). VCF-style: chr12-49032825-T-A. GRCh37 (hg19) VCF-style: chr12-49426608-T-A.
Other names: short protein forms Q3960H.
Identifiers: ClinVar variation 1355348 (VCV001355348.6), dbSNP rs1236146257, ClinGen allele CA384714438.
Genomic context (GRCh38, chr12:49,032,825, plus strand): 5'-CTGGTTTAAAAGGCCCATCTGCTGCTGTTGCTGCTGCTGTTGAAACTGCTGCTGTTGTTG[T>A]TGCTGTTGCTGTTGTAGCTGCTGTTGCTGCTGTTGAAGCTGTTGCTGCTGCTGTTGTTGA-3'
Protein context (NP_003473.3, residues 3950-3970): QQQQQLQQQQ[Gln3960His]QQQQQFQQQQ

ClinVar aggregate classification (germline): Uncertain significance (1 of 4 stars; one submission).

Conditions:
Kabuki syndrome. Also called: NIIKAWA-KUROKI SYNDROME; Kabuki make-up syndrome. Identifiers: Orphanet 2322, MedGen C0796004, MONDO:0016512.

gnomAD v4.1: 1 of 1,550,678 alleles (0.000064%); highest among the groups gnomAD compares: Non-Finnish European, 0.000087%; no homozygotes.

Submission:

Labcorp Genetics (formerly Invitae), Labcorp
Classification: Uncertain significance for Kabuki syndrome. Last evaluated: 2025-12-24. Review status: criteria provided, single submitter. Criteria: Invitae Variant Classification Sherloc (09022015). Collection method: clinical testing. Allele origin: germline.
Comment: This sequence change replaces glutamine, which is neutral and polar, with histidine, which is basic and polar, at codon 3960 of the KMT2D protein (p.Gln3960His). This variant is not present in population databases (gnomAD no frequency). This variant has not been reported in the literature in individuals affected with KMT2D-related conditions. ClinVar contains an entry for this variant (Variation ID: 1355348). Invitae Evidence Modeling of protein sequence and biophysical properties (such as structural, functional, and spatial information, amino acid conservation, physicochemical variation, residue mobility, and thermodynamic stability) indicates that this missense variant is not expected to disrupt KMT2D protein function with a negative predictive value of 95%. In summary, the available evidence is currently insufficient to determine the role of this variant in disease. Therefore, it has been classified as a Variant of Uncertain Significance.